The following is an entry in ClinVar:

NM_003024.3(ITSN1):c.3977T>C (p.Met1326Thr)

Gene: ITSN1 (intersectin 1; plus strand). Cytogenetic location: 21q22.11.
Variant type: single nucleotide variant.
Coding change: c.3977T>C on transcript NM_003024.3 (MANE Select); coding-DNA position 3977, T replaced by C.
Protein change: p.Met1326Thr; replaces methionine 1326 with threonine.
Molecular consequence: missense variant.
Genome position (GRCh38, 1-based): chr21:33,865,237, T>C. VCF-style: chr21-33865237-T-C. GRCh37 (hg19) VCF-style: chr21-35237541-T-C.
Other names: c.3962T>C, p.Met1321Thr (NM_001331010.2); short protein forms M1321T, M1326T.
Identifiers: ClinVar variation 3367861 (VCV003367861.1).

ClinVar aggregate classification (germline): Uncertain significance (1 of 4 stars; one submission).

Submission:

GeneDx
Classification: Uncertain significance. Last evaluated: 2024-01-11. Review status: criteria provided, single submitter. Criteria: GeneDx Variant Classification Process June 2021. Collection method: clinical testing. Allele origin: germline. Affected: yes.
Comment: Not observed at significant frequency in large population cohorts (gnomAD); In silico analysis supports that this missense variant has a deleterious effect on protein structure/function; Has not been previously published as pathogenic or benign to our knowledge